The following is an entry in ClinVar:

ClinVar aggregate classification (germline): Uncertain significance (1 of 4 stars; one submission).

Conditions:
DISP1-related disorder. Also called: DISP1-related condition.

Submission:

PreventionGenetics, part of Exact Sciences
Classification: Uncertain significance for DISP1-related condition. Last evaluated: 2026-09-17. Review status: criteria provided, single submitter. Criteria: ACMG Guidelines, 2015. Collection method: clinical testing. Allele origin: germline.
Comment: The DISP1 c.1682C>T variant is predicted to result in the amino acid substitution p.Thr561Ile. To our knowledge, this variant has not been reported in the literature or in a large population database (gnomAD), indicating this variant is rare. At this time, the clinical significance of this variant is uncertain due to the absence of conclusive functional and genetic evidence.

NM_001377229.1(DISP1):c.1682C>T (p.Thr561Ile)

Gene: DISP1 (dispatched RND transporter family member 1; plus strand). Cytogenetic location: 1q41.
Variant type: single nucleotide variant.
Coding change: c.1682C>T on transcript NM_001377229.1 (MANE Select); coding-DNA position 1682, C replaced by T.
Protein change: p.Thr561Ile; replaces threonine 561 with isoleucine.
Molecular consequence: missense variant.
Genome position (GRCh38, 1-based): chr1:223,003,079, C>T. VCF-style: chr1-223003079-C-T. GRCh37 (hg19) VCF-style: chr1-223176421-C-T.
Other names: c.953C>T, p.Thr318Ile (NM_001350630.2); c.1682C>T, p.Thr561Ile (NM_001369594.1, NM_001377228.1, NM_032890.5); short protein forms T318I, T561I.
Identifiers: ClinVar variation 4987248 (VCV004987248.1).